The following is an entry in ClinVar:

NM_002206.3(ITGA7):c.1823G>T (p.Gly608Val)

Gene: ITGA7 (integrin subunit alpha 7; minus strand). Cytogenetic location: 12q13.2.
Variant type: single nucleotide variant.
Coding change: c.1823G>T on transcript NM_002206.3 (MANE Select); coding-DNA position 1823, G replaced by T.
Protein change: p.Gly608Val; replaces glycine 608 with valine.
Molecular consequence: missense variant.
Genome position (GRCh38, 1-based): chr12:55,696,347, C>A on the plus strand (G>T on the coding strand, the complement: ITGA7 is on the minus strand). VCF-style: chr12-55696347-C-A. GRCh37 (hg19) VCF-style: chr12-56090131-C-A.
Other names: c.1835G>T, p.Gly612Val (NM_001144996.2); c.1544G>T, p.Gly515Val (NM_001144997.2); c.1496G>T, p.Gly499Val (NM_001367993.1); c.479G>T, p.Gly160Val (NM_001367994.1); c.1805G>T, p.Gly602Val (NM_001374465.1); c.1955G>T, p.Gly652Val (NM_001410977.1); c.1817G>T, p.Gly606Val (NM_001414029.1); c.1748G>T, p.Gly583Val (NM_001414030.1); and 5 more; short protein forms G515V, G160V, G608V, G499V, G612V, G602V, G652V, G495V.
Identifiers: ClinVar variation 652035 (VCV000652035.7), dbSNP rs765710345, ClinGen allele CA6615821.
Genomic context (GRCh38, chr12:55,696,347, plus strand): 5'-GCCCGCTGGGTGCTGGGCTGGTGGGCATTGAGGATGGGGGCCACTGGAGGCAGCCCCTGG[C>A]CAGGAGCCTGTCGCCGGAGCCGAGGGGTCTGGAGACTGTAGGACAAGGTCACTACAATGG-3'
Protein context (NP_002197.2, residues 598-618): QTPRLRRQAP[Gly608Val]QGLPPVAPIL

ClinVar aggregate classification (germline): Uncertain significance (1 of 4 stars; one submission).

Conditions:
Congenital muscular dystrophy due to integrin alpha-7 deficiency. Also called: Congenital muscular dystrophy with integrin alpha-7 deficiency; Muscular dystrophy, congenital, due to ITGA7 deficiency; MYOPATHY, CONGENITAL, DUE TO INTEGRIN ALPHA-7 DEFICIENCY. Identifiers: Orphanet 34520, MedGen C2750786, MONDO:0013177, OMIM 613204.

Allele frequency attached by ClinVar (database versions not stated): gnomAD exomes below 0.00001 and 0.00001; gnomAD 0.00001; TOPMed 0.00001; ExAC 0.00003.
gnomAD v4.1: 19 of 1,587,626 alleles (0.0012%); highest among the groups gnomAD compares: Middle Eastern, 0.017%; no homozygotes.

Submission:

Labcorp Genetics (formerly Invitae), Labcorp
Classification: Uncertain significance for Congenital muscular dystrophy due to integrin alpha-7 deficiency. Last evaluated: 2025-02-26. Review status: criteria provided, single submitter. Criteria: Invitae Variant Classification Sherloc (09022015). Collection method: clinical testing. Allele origin: germline.
Comment: This sequence change replaces glycine, which is neutral and non-polar, with valine, which is neutral and non-polar, at codon 608 of the ITGA7 protein (p.Gly608Val). The frequency data for this variant in the population databases is considered unreliable, as metrics indicate poor data quality at this position in the gnomAD database. This variant has not been reported in the literature in individuals affected with ITGA7-related conditions. ClinVar contains an entry for this variant (Variation ID: 652035). An algorithm developed to predict the effect of missense changes on protein structure and function (PolyPhen-2) suggests that this variant is likely to be disruptive. In summary, the available evidence is currently insufficient to determine the role of this variant in disease. Therefore, it has been classified as a Variant of Uncertain Significance.